The following is an entry in ClinVar:

NM_213655.5(WNK1):c.3330C>A (p.Tyr1110Ter)

Gene: WNK1 (WNK lysine deficient protein kinase 1; plus strand). Cytogenetic location: 12p13.33.
Variant type: single nucleotide variant.
Coding change: c.3330C>A on transcript NM_213655.5 (MANE Plus Clinical); coding-DNA position 3330, C replaced by A.
Protein change: p.Tyr1110Ter; replaces tyrosine 1110 with a stop codon.
Molecular consequence: nonsense. On other transcripts: intron variant (2).
Genome position (GRCh38, 1-based): chr12:868,801, C>A. VCF-style: chr12-868801-C-A. GRCh37 (hg19) VCF-style: chr12-977967-C-A.
Other names: c.3075C>A, p.Tyr1025Ter (NM_001184985.2); c.2140-2464C>A (NM_018979.4, NM_014823.3); short protein forms Y1110*, Y1025*.
Identifiers: ClinVar variation 973159 (VCV000973159.2), dbSNP rs1951900495, ClinGen allele CA383341874.

ClinVar aggregate classification (germline): Pathogenic. Review status: criteria provided, single submitter (1 of 4 stars). 2 submissions from 2 submitters: Pathogenic (1). 1 of the submissions does not count toward it. Last evaluated 2021-09-21.

Conditions:
Neuropathy, hereditary sensory and autonomic, type 2A (HSAN2A). Also called: WNK1-Related HSAN2 (HSAN2A); MORVAN DISEASE; NEUROPATHY, CONGENITAL SENSORY; NEUROPATHY, HEREDITARY SENSORY RADICULAR, AUTOSOMAL RECESSIVE; NEUROPATHY, HEREDITARY SENSORY, TYPE IIA; NEUROPATHY, PROGRESSIVE SENSORY, OF CHILDREN. Identifiers: Orphanet 970, MedGen C2752089, MONDO:0024309, OMIM 201300.

Submissions (2):

Kariminejad - Najmabadi Pathology & Genetics Center
Classification: Pathogenic for Neuropathy, hereditary sensory and autonomic, type 2A. Last evaluated: 2021-09-21. Review status: criteria provided, single submitter. Criteria: ACMG Guidelines, 2015. Collection method: clinical testing. Allele origin: germline. Inheritance: Autosomal recessive inheritance. Affected: yes.
Comment: PM2, PVS1, PP5

Institute of Human Genetics, University Hospital Jena
Classification: Pathogenic for Neuropathy, hereditary sensory and autonomic, type 2A. Last evaluated: 2020-07-08. Review status: no assertion criteria provided. Collection method: clinical testing. Allele origin: germline. Affected: yes. Not counted in ClinVar's aggregate classification.
Comment: PubMed ID 30497409 reported this variant as c.3718C>A on the reference sequence NM_001184985. Based on review of Figure 3, c.3718C>A refers to a location numbered from the beginning of the NM_001184985.1 transcript, not the beginning of the coding region. We submit this same variant to ClinVar but described as NM_001184985.1:c.3075C>A.

Literature cited by the submitters: PubMed 30497409 (cited by Institute of Human Genetics, University Hospital Jena).